The following is an entry in ClinVar:

ClinVar aggregate classification (germline): Uncertain significance (1 of 4 stars; one submission).

Conditions:
Familial cancer of breast. Also called: hereditary breast carcinoma; Hereditary breast cancer; BREAST CANCER, FAMILIAL. Identifiers: Orphanet 227535, MedGen C0346153, MONDO:0016419, OMIM 114480. Disease mechanism: loss of function.

Submission:

Labcorp Genetics (formerly Invitae), Labcorp
Classification: Uncertain significance for Familial cancer of breast. Last evaluated: 2021-04-14. Review status: criteria provided, single submitter. Criteria: Invitae Variant Classification Sherloc (09022015). Collection method: clinical testing. Allele origin: germline.
Comment: This sequence change replaces lysine with asparagine at codon 196 of the BARD1 protein (p.Lys196Asn). The lysine residue is highly conserved and there is a moderate physicochemical difference between lysine and asparagine. This variant is not present in population databases (ExAC no frequency). This variant has not been reported in the literature in individuals with BARD1-related conditions. Algorithms developed to predict the effect of missense changes on protein structure and function are either unavailable or do not agree on the potential impact of this missense change (SIFT: "Tolerated"; PolyPhen-2: "Possibly Damaging"; Align-GVGD: "Class C0"). In summary, the available evidence is currently insufficient to determine the role of this variant in disease. Therefore, it has been classified as a Variant of Uncertain Significance.

NM_000465.4(BARD1):c.588A>C (p.Lys196Asn)

Gene: BARD1 (BRCA1 associated RING domain 1; minus strand). Cytogenetic location: 2q35.
Variant type: single nucleotide variant.
Coding change: c.588A>C on transcript NM_000465.4 (MANE Select); coding-DNA position 588, A replaced by C.
Protein change: p.Lys196Asn; replaces lysine 196 with asparagine.
Molecular consequence: missense variant. On other transcripts: non-coding transcript variant (2), intron variant (3).
Genome position (GRCh38, 1-based): chr2:214,781,286, T>G on the plus strand (A>C on the coding strand, the complement: BARD1 is on the minus strand). VCF-style: chr2-214781286-T-G. GRCh37 (hg19) VCF-style: chr2-215646010-T-G.
Other names: c.531A>C, p.Lys177Asn (NM_001282543.2); c.158+28126A>C (NM_001282548.2); c.215+15775A>C (NM_001282545.2); c.364+11011A>C (NM_001282549.2); short protein forms K196N, K177N.
Identifiers: ClinVar variation 1345208 (VCV001345208.9), dbSNP rs2106111611, ClinGen allele CA350456808.
Genomic context (GRCh38, chr2:214,781,286, plus strand): 5'-TTGGTTGATTTCAGCTAAAGTTTTCTTTTTTTGCTTTTTTCCAGATCTTGCAGAAGCCTT[T>G]TTAGCCCTCTCAGAAACATCTGCAGGAGGACTTGGGGAAACAAATTCATATGAGTCTTGC-3'
Protein context (NP_000456.2, residues 186-206): SPPADVSERA[Lys196Asn]KASARSGKKQ